The following is an entry in ClinVar:

ClinVar aggregate classification (germline): Likely benign (1 of 4 stars; one submission).

gnomAD v4.1: 11,430 of 1,602,952 alleles (0.71%); highest among the groups gnomAD compares: Non-Finnish European, 0.84%; 50 homozygotes.

Submission:

CeGaT Center for Human Genetics Tuebingen
Classification: Likely benign. Last evaluated: 2025-08-01. Review status: criteria provided, single submitter. Criteria: CeGaT Center For Human Genetics Tuebingen Variant Classification Criteria Version 2. Collection method: clinical testing. Allele origin: germline. Affected: yes. Observed: 1 variant allele.
Comment: CDRT15: BP4, BS2

NM_001007530.3(CDRT15):c.-5G>A

Gene: CDRT15 (CMT1A duplicated region transcript 15; minus strand). Cytogenetic location: 17p12.
Variant type: single nucleotide variant.
Coding change: c.-5G>A on transcript NM_001007530.3 (MANE Select); 5 bases upstream of the start codon, G replaced by A.
Molecular consequence: 5 prime UTR variant.
Genome position (GRCh38, 1-based): chr17:14,236,838, C>T on the plus strand (G>A on the coding strand, the complement: CDRT15 is on the minus strand). VCF-style: chr17-14236838-C-T. GRCh37 (hg19) VCF-style: chr17-14140155-C-T.
Other names: c.-79G>A (NM_001348781.2).
Identifiers: ClinVar variation 4083602 (VCV004083602.8).